The following is an entry in ClinVar:

ClinVar aggregate classification (germline): Likely benign. Review status: reviewed by expert panel (3 of 4 stars). 11 submissions from 11 submitters: Likely benign (1). 10 of the submissions do not count toward it. Last evaluated 2017-06-29.

Conditions:
Hereditary cancer-predisposing syndrome. Also called: Tumor predisposition; Hereditary neoplastic syndrome; Neoplastic Syndromes, Hereditary; Hereditary Cancer Syndrome. Identifiers: Orphanet 140162, MedGen C0027672, MeSH D009386, MONDO:0015356.
Hereditary breast ovarian cancer syndrome. Also called: Hereditary breast and ovarian cancer syndrome; Hereditary breast and ovarian cancer; Hereditary breast and ovarian cancer syndrome (HBOC); Breast and ovarian cancer; BRCA1- and BRCA2-Associated Hereditary Breast and Ovarian Cancer; Hereditary breast and/or ovarian cancer syndrome. Identifiers: Orphanet 145, MedGen C0677776, MeSH D061325, MONDO:0003582. Disease mechanism: loss of function.
Breast-ovarian cancer, familial, susceptibility to, 2 (BROVCA2). Also called: BRCA2 Hereditary Breast and Ovarian Cancer. Identifiers: Orphanet 145, MedGen C2675520, MONDO:0012933, OMIM 612555. Disease mechanism: loss of function.

Allele frequency attached by ClinVar (database versions not stated): gnomAD 0.00001; gnomAD exomes 0.00004; TOPMed 0.00005; ExAC 0.00007.
gnomAD v4.1: 24 of 1,605,912 alleles (0.0015%); highest among the groups gnomAD compares: Admixed American, 0.041%; no homozygotes.

Submissions (11):

Evidence-based Network for the Interpretation of Germline Mutant Alleles (ENIGMA)
Classification: Likely benign for Breast-ovarian cancer, familial, susceptibility to, 2. Last evaluated: 2017-06-29. Review status: reviewed by expert panel. Criteria: ENIGMA BRCA1/2 Classification Criteria (2017-06-29). Collection method: curation. Allele origin: germline.
Comment: Synonymous substitution variant, with low bioinformatic likelihood to result in a splicing aberration (Splicing prior probability 0.02).

Labcorp Genetics (formerly Invitae), Labcorp
Classification: Likely benign for Hereditary breast ovarian cancer syndrome. Last evaluated: 2026-02-01. Review status: criteria provided, single submitter. Criteria: Invitae Variant Classification Sherloc (09022015). Collection method: clinical testing. Allele origin: germline. Not counted in ClinVar's aggregate classification.

All of Us Research Program, National Institutes of Health
Classification: Likely benign for Breast-ovarian cancer, familial, susceptibility to, 2. Last evaluated: 2024-01-08. Review status: criteria provided, single submitter. Criteria: ACMG Guidelines, 2015. Collection method: clinical testing. Allele origin: germline. Inheritance: Autosomal dominant inheritance. Observed: 12 variant alleles, 12 heterozygotes. Not counted in ClinVar's aggregate classification.
Comment: This study involves interpretation of variants in research participants for the purpose of population health screening. Participant phenotype was not available at the time of variant classification. Additional details can be found in publication PMID: 35346344, PMCID: PMC8962531

Quest Diagnostics Nichols Institute San Juan Capistrano
Classification: Benign. Last evaluated: 2022-07-26. Review status: criteria provided, single submitter. Criteria: Quest Diagnostics criteria. Collection method: clinical testing. Allele origin: unknown. Not counted in ClinVar's aggregate classification.

ARUP Laboratories, Molecular Genetics and Genomics, ARUP Laboratories
Classification: Likely benign. Last evaluated: 2019-04-09. Review status: criteria provided, single submitter. Criteria: ARUP Molecular Germline Variant Investigation Process. Collection method: clinical testing. Allele origin: germline. Not counted in ClinVar's aggregate classification.

Women's Health and Genetics/Laboratory Corporation of America, LabCorp
Classification: Likely benign. Last evaluated: 2018-02-09. Review status: criteria provided, single submitter. Criteria: LabCorp Variant Classification Summary - May 2015. Collection method: clinical testing. Allele origin: germline. Not counted in ClinVar's aggregate classification.
Comment: Variant summary: BRCA2 c.6531T>A alters a non-conserved nucleotide resulting in a synonymous change. 5/5 computational tools predict no significant impact on normal splicing. However, these predictions have yet to be confirmed by functional studies. This frequency is not significantly higher than expected for a pathogenic variant in BRCA2 causing Hereditary Breast and Ovarian Cancer (8.8e-05 vs 7.50E-04), allowing no conclusion about variant significance. To our knowledge, no occurrence of c.6531T>A in individuals affected with Hereditary Breast and Ovarian Cancer and no experimental evidence demonstrating its impact on protein function have been reported. Five clinical diagnostic laboratories have submitted clinical-significance assessments for this variant to ClinVar after 2014 without evidence for independent evaluation. All laboratories classified the variant as likely benign. Based on the evidence outlined above, the variant was classified as likely benign.

Color Diagnostics, LLC DBA Color Health
Classification: Likely benign for Hereditary cancer-predisposing syndrome. Last evaluated: 2017-04-28. Review status: criteria provided, single submitter. Criteria: ACMG Guidelines, 2015. Collection method: clinical testing. Allele origin: germline. Not counted in ClinVar's aggregate classification.

Genetic Services Laboratory, University of Chicago
Classification: Likely benign. Last evaluated: 2016-08-19. Review status: criteria provided, single submitter. Criteria: ACMG Guidelines, 2015. Collection method: clinical testing. Allele origin: germline. Affected: no. Not counted in ClinVar's aggregate classification.

GeneDx
Classification: Benign. Last evaluated: 2015-03-03. Review status: criteria provided, single submitter. Criteria: GeneDx Variant Classification Process June 2021. Collection method: clinical testing. Allele origin: germline. Affected: yes. Not counted in ClinVar's aggregate classification.

Ambry Genetics
Classification: Likely benign for Hereditary cancer-predisposing syndrome. Last evaluated: 2014-06-16. Review status: criteria provided, single submitter. Criteria: Ambry Variant Classification Scheme 2023. Collection method: clinical testing. Allele origin: germline. Not counted in ClinVar's aggregate classification.

Counsyl
Classification: Likely benign for Breast-ovarian cancer, familial, susceptibility to, 2. Last evaluated: 2016-05-04. Review status: no assertion criteria provided. Collection method: clinical testing. Allele origin: unknown. Not counted in ClinVar's aggregate classification.

Literature cited by the submitters: PubMed 30630528 (cited by Quest Diagnostics Nichols Institute San Juan Capistrano).

NM_000059.4(BRCA2):c.6531T>A (p.Ile2177=)

Gene: BRCA2 (BRCA2 DNA repair associated; plus strand). Cytogenetic location: 13q13.1.
Variant type: single nucleotide variant.
Coding change: c.6531T>A on transcript NM_000059.4 (MANE Select); coding-DNA position 6531, T replaced by A.
Protein change: p.Ile2177=; no amino-acid change (isoleucine 2177 retained).
Molecular consequence: synonymous variant.
Genome position (GRCh38, 1-based): chr13:32,340,886, T>A. VCF-style: chr13-32340886-T-A. GRCh37 (hg19) VCF-style: chr13-32915023-T-A.
Identifiers: ClinVar variation 135810 (VCV000135810.38), dbSNP rs587780658, ClinGen allele CA024138.